The following is an entry in ClinVar:

NM_000443.4(ABCB4):c.201C>A (p.His67Gln)

Gene: ABCB4 (ATP binding cassette subfamily B member 4; minus strand). Cytogenetic location: 7q21.12.
Variant type: single nucleotide variant.
Coding change: c.201C>A on transcript NM_000443.4 (MANE Select); coding-DNA position 201, C replaced by A.
Protein change: p.His67Gln; replaces histidine 67 with glutamine.
Molecular consequence: missense variant.
Genome position (GRCh38, 1-based): chr7:87,462,843, G>T on the plus strand (C>A on the coding strand, the complement: ABCB4 is on the minus strand). VCF-style: chr7-87462843-G-T. GRCh37 (hg19) VCF-style: chr7-87092159-G-T.
Other names: c.201C>A, p.His67Gln (NM_018849.3, NM_018850.3); short protein forms H67Q.
Identifiers: ClinVar variation 4744691 (VCV004744691.1).
Genomic context (GRCh38, chr7:87,462,843, plus strand): 5'-ATCAACAAATTTGTCAGTCATCTCTCCAAATACTATCATCATGAGGGGGAGACCTGATCC[G>T]TGAGCTATGGCCATGATGGTACCCAGCGACATAAACAATTTATCCTGCCAATCGGAGTAT-3'
Protein context (NP_000434.1, residues 57-77): MSLGTIMAIA[His67Gln]GSGLPLMMIV

ClinVar aggregate classification (germline): Uncertain significance (1 of 4 stars; one submission).

Submission:

Labcorp Genetics (formerly Invitae), Labcorp
Classification: Uncertain significance. Last evaluated: 2025-04-17. Review status: criteria provided, single submitter. Criteria: Invitae Variant Classification Sherloc (09022015). Collection method: clinical testing. Allele origin: germline.
Comment: This sequence change replaces histidine, which is basic and polar, with glutamine, which is neutral and polar, at codon 67 of the ABCB4 protein (p.His67Gln). This variant is not present in population databases (gnomAD no frequency). This variant has not been reported in the literature in individuals affected with ABCB4-related conditions. Invitae Evidence Modeling of protein sequence and biophysical properties (such as structural, functional, and spatial information, amino acid conservation, physicochemical variation, residue mobility, and thermodynamic stability) indicates that this missense variant is not expected to disrupt ABCB4 protein function with a negative predictive value of 80%. In summary, the available evidence is currently insufficient to determine the role of this variant in disease. Therefore, it has been classified as a Variant of Uncertain Significance.